The following is an entry in ClinVar:

ClinVar aggregate classification (germline): Uncertain significance (1 of 4 stars; one submission).

Conditions:
Hereditary cancer-predisposing syndrome. Also called: Hereditary neoplastic syndrome; Neoplastic Syndromes, Hereditary; Tumor predisposition; Hereditary Cancer Syndrome. Identifiers: Orphanet 140162, MedGen C0027672, MeSH D009386, MONDO:0015356.
Cardiovascular phenotype. Identifiers: MedGen CN230736.

Submission:

Ambry Genetics
Classification: Uncertain significance for Cardiovascular phenotype; Hereditary cancer-predisposing syndrome. Last evaluated: 2026-07-01. Review status: criteria provided, single submitter. Criteria: Ambry Variant Classification Scheme 2023. Collection method: clinical testing. Allele origin: germline.
Comment: The c.510G>T variant (also known as p.R170R), located in coding exon 6 of the LZTR1 gene, results from a G to T substitution at nucleotide position 510. This nucleotide substitution does not change the arginine at codon 170. However, this change occurs in the first base pair of coding exon 6, which makes it likely to have some effect on normal mRNA splicing. This nucleotide position is not well conserved in available vertebrate species. In silico splice site analysis predicts that this alteration will not have any significant effect on splicing; however, direct evidence is insufficient at this time (Ambry internal data). Based on the available evidence, the clinical significance of this variant remains unclear.

NM_006767.4(LZTR1):c.510G>T (p.Arg170=)

Gene: LZTR1 (leucine zipper like post translational regulator 1; plus strand). Cytogenetic location: 22q11.21.
Variant type: single nucleotide variant.
Coding change: c.510G>T on transcript NM_006767.4 (MANE Select); coding-DNA position 510, G replaced by T.
Protein change: p.Arg170=; no amino-acid change (arginine 170 retained).
Molecular consequence: synonymous variant.
Genome position (GRCh38, 1-based): chr22:20,988,789, G>T. VCF-style: chr22-20988789-G-T. GRCh37 (hg19) VCF-style: chr22-21343078-G-T.
Identifiers: ClinVar variation 3541585 (VCV003541585.2).